The following is an entry in ClinVar:

NM_000059.4(BRCA2):c.6176G>C (p.Ser2059Thr)

Gene: BRCA2 (BRCA2 DNA repair associated; plus strand). Cytogenetic location: 13q13.1.
Variant type: single nucleotide variant.
Coding change: c.6176G>C on transcript NM_000059.4 (MANE Select); coding-DNA position 6176, G replaced by C.
Protein change: p.Ser2059Thr; replaces serine 2059 with threonine.
Molecular consequence: missense variant. On other transcripts: non-coding transcript variant (1), intron variant (2).
Genome position (GRCh38, 1-based): chr13:32,340,531, G>C. VCF-style: chr13-32340531-G-C. GRCh37 (hg19) VCF-style: chr13-32914668-G-C.
Other names: c.6176G>C, p.Ser2059Thr (NM_001406719.1, NM_001406720.1, NM_001432077.1); c.1910-4027G>C (NM_001406721.1); c.425-4027G>C (NM_001406722.1); short protein forms S2059T.
Identifiers: ClinVar variation 3992759 (VCV003992759.1).

ClinVar aggregate classification (germline): Uncertain significance (1 of 4 stars; one submission).

Conditions:
Hereditary cancer-predisposing syndrome. Also called: Tumor predisposition; Hereditary neoplastic syndrome; Neoplastic Syndromes, Hereditary; Hereditary Cancer Syndrome. Identifiers: Orphanet 140162, MedGen C0027672, MeSH D009386, MONDO:0015356.

Submission:

Ambry Genetics
Classification: Uncertain significance for Hereditary cancer-predisposing syndrome. Last evaluated: 2025-03-20. Review status: criteria provided, single submitter. Criteria: Ambry Variant Classification Scheme 2023. Collection method: clinical testing. Allele origin: germline.
Comment: The p.S2059T variant (also known as c.6176G>C), located in coding exon 10 of the BRCA2 gene, results from a G to C substitution at nucleotide position 6176. The serine at codon 2059 is replaced by threonine, an amino acid with similar properties. This amino acid position is conserved. In addition, the in silico prediction for this alteration is inconclusive. Based on the available evidence, the clinical significance of this variant remains unclear.